The following is an entry in ClinVar:

ClinVar aggregate classification (germline): Uncertain significance (1 of 4 stars; one submission).

Conditions:
Cardiovascular phenotype. Identifiers: MedGen CN230736.

gnomAD v4.1: 2 of 1,550,450 alleles (0.00013%); highest among the groups gnomAD compares: Non-Finnish European, 0.000087%; no homozygotes.

Submission:

Ambry Genetics
Classification: Uncertain significance for Cardiovascular phenotype. Last evaluated: 2025-05-18. Review status: criteria provided, single submitter. Criteria: Ambry Variant Classification Scheme 2023. Collection method: clinical testing. Allele origin: germline.
Comment: The p.S1353G variant (also known as c.4057A>G), located in coding exon 2 of the ZNF469 gene, results from an A to G substitution at nucleotide position 4057. The serine at codon 1353 is replaced by glycine, an amino acid with similar properties. This amino acid position is conserved. In addition, this alteration is predicted to be tolerated by in silico analysis. Based on the available evidence, the clinical significance of this variant remains unclear.

NM_001367624.2(ZNF469):c.4141A>G (p.Ser1381Gly)

Gene: ZNF469 (zinc finger protein 469; plus strand). Cytogenetic location: 16q24.2.
Variant type: single nucleotide variant.
Coding change: c.4141A>G on transcript NM_001367624.2 (MANE Select); coding-DNA position 4141, A replaced by G.
Protein change: p.Ser1381Gly; replaces serine 1381 with glycine.
Molecular consequence: missense variant.
Genome position (GRCh38, 1-based): chr16:88,431,611, A>G. VCF-style: chr16-88431611-A-G. GRCh37 (hg19) VCF-style: chr16-88498019-A-G.
Other names: NM_001127464.1:c.4057A>G; short protein forms S1381G.
Identifiers: ClinVar variation 3987351 (VCV003987351.1).
Genomic context (GRCh38, chr16:88,431,611, plus strand): 5'-AGAGACCCCTTGGGGGTTCCAGTTGCCAAAAAGGGGCCTCAGCCCTACAGCAGCCCCCAC[A>G]GTGAGTTGTTCCTCGGACCCAAAGACCTGGCTGGCTGTTTCCTGGAAGAACTGCACCCCA-3'
Protein context (NP_001354553.1, residues 1371-1391): KGPQPYSSPH[Ser1381Gly]ELFLGPKDLA